The following is an entry in ClinVar:

ClinVar aggregate classification (germline): Uncertain significance (1 of 4 stars; one submission).

Submission:

Ambry Genetics
Classification: Uncertain significance. Last evaluated: 2026-08-31. Review status: criteria provided, single submitter. Criteria: Ambry Variant Classification Scheme 2023. Collection method: clinical testing. Allele origin: germline.
Comment: The p.V498A variant (also known as c.1493T>C), located in coding exon 1 of the TET2 gene, results from a T to C substitution at nucleotide position 1493. The valine at codon 498 is replaced by alanine, an amino acid with similar properties. This amino acid position is conserved. In addition, this alteration is predicted to be tolerated by in silico analysis. Based on the available evidence, the clinical significance of this variant remains unclear.

NM_001127208.3(TET2):c.1493T>C (p.Val498Ala)

Genes: TET2 (tet methylcytosine dioxygenase 2; plus strand), TET2-AS1 (TET2 antisense RNA 1; minus strand). Cytogenetic location: 4q24.
Variant type: single nucleotide variant.
Coding change: c.1493T>C on transcript NM_001127208.3 (MANE Select); coding-DNA position 1493, T replaced by C.
Protein change: p.Val498Ala; replaces valine 498 with alanine.
Molecular consequence: missense variant.
Genome position (GRCh38, 1-based): chr4:105,235,435, T>C. VCF-style: chr4-105235435-T-C. GRCh37 (hg19) VCF-style: chr4-106156592-T-C.
Other names: c.1493T>C, p.Val498Ala (NM_017628.4); short protein forms V498A.
Identifiers: ClinVar variation 5030774 (VCV005030774.1).